The following is an entry in ClinVar:

ClinVar aggregate classification (germline): Uncertain significance. Review status: criteria provided, multiple submitters, no conflicts (2 of 4 stars). 3 submissions from 3 submitters: Uncertain significance (3). Last evaluated 2026-01-04.

Conditions:
Brugada syndrome 8 (BRGDA8). Identifiers: Orphanet 130, MedGen C2751083, MONDO:0013148, OMIM 613123.
Epilepsy, idiopathic generalized, susceptibility to, 18. Identifiers: MedGen C5561983, MONDO:0030434, OMIM 619521.
Sick sinus syndrome 2, autosomal dominant (SSS2). Also called: ATRIAL FIBRILLATION WITH BRADYARRHYTHMIA; SICK SINUS SYNDROME 2; SINUS BRADYCARDIA SYNDROME, FAMILIAL, AUTOSOMAL DOMINANT; SINUS NODE DISEASE, FAMILIAL, AUTOSOMAL DOMINANT; SICK SINUS SYNDROME 2 WITH OR WITHOUT CARDIAC NONCOMPACTION AND/OR ASCENDING AORTA DILATION. Identifiers: Orphanet 166282, MedGen C1834144, MONDO:0008102, OMIM 163800.

Allele frequency attached by ClinVar (database versions not stated): gnomAD exomes 0.00001; ExAC 0.00002; gnomAD 0.00003; TOPMed 0.00003.
gnomAD v4.1: 14 of 1,613,364 alleles (0.00087%); highest among the groups gnomAD compares: Admixed American, 0.0033%; no homozygotes.

Submissions (3):

Labcorp Genetics (formerly Invitae), Labcorp
Classification: Uncertain significance for Brugada syndrome 8. Last evaluated: 2026-01-04. Review status: criteria provided, single submitter. Criteria: Invitae Variant Classification Sherloc (09022015). Collection method: clinical testing. Allele origin: germline.
Comment: This sequence change affects codon 571 of the HCN4 mRNA. It is a 'silent' change, meaning that it does not change the encoded amino acid sequence of the HCN4 protein. This variant is present in population databases (rs754495351, gnomAD 0.002%). This variant has not been reported in the literature in individuals affected with HCN4-related conditions. ClinVar contains an entry for this variant (Variation ID: 850915). Algorithms developed to predict the effect of sequence changes on RNA splicing suggest that this variant may disrupt the consensus splice site. In summary, the available evidence is currently insufficient to determine the role of this variant in disease. Therefore, it has been classified as a Variant of Uncertain Significance.

GeneDx
Classification: Uncertain significance. Last evaluated: 2025-07-08. Review status: criteria provided, single submitter. Criteria: GeneDx Variant Classification Process June 2021. Collection method: clinical testing. Allele origin: germline. Affected: yes.
Comment: Has not been previously published as pathogenic or benign to our knowledge; In silico analysis supports a deleterious effect on splicing

Fulgent Genetics
Classification: Uncertain significance for Sick sinus syndrome 2, autosomal dominant; Brugada syndrome 8; Epilepsy, idiopathic generalized, susceptibility to, 18. Last evaluated: 2021-09-09. Review status: criteria provided, single submitter. Criteria: ACMG Guidelines, 2015. Collection method: clinical testing. Allele origin: unknown.

NM_005477.3(HCN4):c.1713C>T (p.Gly571=)

Gene: HCN4 (hyperpolarization activated cyclic nucleotide gated potassium channel 4; minus strand). Cytogenetic location: 15q24.1.
Variant type: single nucleotide variant.
Coding change: c.1713C>T on transcript NM_005477.3 (MANE Select); coding-DNA position 1713, C replaced by T.
Protein change: p.Gly571=; no amino-acid change (glycine 571 retained).
Molecular consequence: synonymous variant.
Genome position (GRCh38, 1-based): chr15:73,325,322, G>A on the plus strand (C>T on the coding strand, the complement: HCN4 is on the minus strand). VCF-style: chr15-73325322-G-A. GRCh37 (hg19) VCF-style: chr15-73617663-G-A.
Identifiers: ClinVar variation 850915 (VCV000850915.12), dbSNP rs754495351, ClinGen allele CA7649223.